The following is an entry in ClinVar:

NM_170606.3(KMT2C):c.3173G>T (p.Arg1058Ile)

Gene: KMT2C (lysine methyltransferase 2C; minus strand). Cytogenetic location: 7q36.1.
Variant type: single nucleotide variant.
Coding change: c.3173G>T on transcript NM_170606.3 (MANE Select); coding-DNA position 3173, G replaced by T.
Protein change: p.Arg1058Ile; replaces arginine 1058 with isoleucine.
Molecular consequence: missense variant.
Genome position (GRCh38, 1-based): chr7:152,224,165, C>A on the plus strand (G>T on the coding strand, the complement: KMT2C is on the minus strand). VCF-style: chr7-152224165-C-A. GRCh37 (hg19) VCF-style: chr7-151921250-C-A.
Other names: short protein forms R1058I.
Identifiers: ClinVar variation 1021832 (VCV001021832.8), dbSNP rs2094858934, ClinGen allele CA370110159.

ClinVar aggregate classification (germline): Uncertain significance (1 of 4 stars; one submission).

Allele frequency attached by ClinVar (database versions not stated): gnomAD exomes below 0.00001.
gnomAD v4.1: 6 of 1,604,084 alleles (0.00037%); highest among the groups gnomAD compares: Non-Finnish European, 0.00051%; no homozygotes.

Submission:

Labcorp Genetics (formerly Invitae), Labcorp
Classification: Uncertain significance. Last evaluated: 2020-10-27. Review status: criteria provided, single submitter. Criteria: Invitae Variant Classification Sherloc (09022015). Collection method: clinical testing. Allele origin: germline.
Comment: This sequence change replaces arginine with isoleucine at codon 1058 of the KMT2C protein (p.Arg1058Ile). The arginine residue is highly conserved and there is a moderate physicochemical difference between arginine and isoleucine. This variant is not present in population databases (ExAC no frequency). In summary, the available evidence is currently insufficient to determine the role of this variant in disease. Therefore, it has been classified as a Variant of Uncertain Significance. Algorithms developed to predict the effect of missense changes on protein structure and function are either unavailable or do not agree on the potential impact of this missense change (SIFT: "Tolerated"; PolyPhen-2: "Possibly Damaging"; Align-GVGD: "Class C0"). This variant has not been reported in the literature in individuals with KMT2C-related conditions.